The following is an entry in ClinVar:

ClinVar aggregate classification (germline): Conflicting classifications of pathogenicity. Review status: criteria provided, conflicting classifications (1 of 4 stars). 2 submissions from 2 submitters: Uncertain significance (1); Likely benign (1). Last evaluated 2025-04-24.

Conditions:
Inborn genetic diseases. Identifiers: MedGen C0950123, MeSH D030342.

Allele frequency attached by ClinVar (database versions not stated): gnomAD exomes below 0.00001; gnomAD 0.00001; TOPMed 0.00001.

Submissions (2):

Ambry Genetics
Classification: Likely benign for Inborn genetic diseases. Last evaluated: 2025-04-24. Review status: criteria provided, single submitter. Criteria: Ambry Variant Classification Scheme 2023. Collection method: clinical testing. Allele origin: germline.

Labcorp Genetics (formerly Invitae), Labcorp
Classification: Uncertain significance. Last evaluated: 2025-03-31. Review status: criteria provided, single submitter. Criteria: Invitae Variant Classification Sherloc (09022015). Collection method: clinical testing. Allele origin: germline.
Comment: This sequence change replaces aspartic acid, which is acidic and polar, with asparagine, which is neutral and polar, at codon 153 of the PDYN protein (p.Asp153Asn). This variant is present in population databases (no rsID available, gnomAD 0.006%). This variant has not been reported in the literature in individuals affected with PDYN-related conditions. ClinVar contains an entry for this variant (Variation ID: 1929748). Invitae Evidence Modeling of protein sequence and biophysical properties (such as structural, functional, and spatial information, amino acid conservation, physicochemical variation, residue mobility, and thermodynamic stability) indicates that this missense variant is not expected to disrupt PDYN protein function with a negative predictive value of 80%. In summary, the available evidence is currently insufficient to determine the role of this variant in disease. Therefore, it has been classified as a Variant of Uncertain Significance.

NM_024411.5(PDYN):c.457G>A (p.Asp153Asn)

Genes: PDYN (prodynorphin; minus strand), PDYN-AS1 (PDYN antisense RNA 1; plus strand). Cytogenetic location: 20p13.
Variant type: single nucleotide variant.
Coding change: c.457G>A on transcript NM_024411.5 (MANE Select); coding-DNA position 457, G replaced by A.
Protein change: p.Asp153Asn; replaces aspartic acid 153 with asparagine.
Molecular consequence: missense variant.
Genome position (GRCh38, 1-based): chr20:1,980,631, C>T on the plus strand (G>A on the coding strand, the complement: PDYN is on the minus strand). VCF-style: chr20-1980631-C-T. GRCh37 (hg19) VCF-style: chr20-1961277-C-T.
Other names: c.457G>A, p.Asp153Asn (NM_001190892.1, NM_001190898.3, NM_001190899.2 and 1 more transcripts); c.457G>A (NM_024411.4); short protein forms D153N.
Identifiers: ClinVar variation 1929748 (VCV001929748.6), dbSNP rs1171241754, ClinGen allele CA408003107.
Genomic context (GRCh38, chr20:1,980,631, plus strand): 5'-TGACCTGCTCCTTGGGGTCCTCCTCAGCGAGATAGAGTGTGCCAGTCTCCATGGCACCAT[C>T]GTTCAGCTGGGCATCCCTCATCAGCTCAGACTCTGCTCCCTCCCTAAACCCGTCAGAGAG-3'
Protein context (NP_077722.1, residues 143-163): SELMRDAQLN[Asp153Asn]GAMETGTLYL